The following is an entry in ClinVar:

NM_006348.5(COG5):c.436C>T (p.Arg146Trp)

Gene: COG5 (component of oligomeric golgi complex 5; minus strand). Cytogenetic location: 7q22.3.
Variant type: single nucleotide variant.
Coding change: c.436C>T on transcript NM_006348.5 (MANE Select); coding-DNA position 436, C replaced by T.
Protein change: p.Arg146Trp; replaces arginine 146 with tryptophan.
Molecular consequence: missense variant. On other transcripts: intron variant (1).
Genome position (GRCh38, 1-based): chr7:107,527,339, G>A on the plus strand (C>T on the coding strand, the complement: COG5 is on the minus strand). VCF-style: chr7-107527339-G-A. GRCh37 (hg19) VCF-style: chr7-107167784-G-A.
Other names: c.436C>T, p.Arg146Trp (NM_001161520.2, NM_001379511.1, NM_001379512.1 and 4 more transcripts); c.234+30637C>T (NM_001379516.1); short protein forms R146W.
Identifiers: ClinVar variation 2176185 (VCV002176185.1), dbSNP rs781710880, ClinGen allele CA4431379.
Genomic context (GRCh38, chr7:107,527,339, plus strand): 5'-TTCCCCCTTGCAGTTGTCCTTGGAGTCTCTTACTGAGATTCAAGATACGAATAATCCTCC[G>A]AAGCAAATCACAGGCAACCTGTGCAAACATCACAATGTTAAGTTAGTTGATCCATGAAGT-3'
Protein context (NP_006339.4, residues 136-156): ARLQVACDLL[Arg146Trp]RIIRILNLSK

ClinVar aggregate classification (germline): Uncertain significance (1 of 4 stars; one submission).

Conditions:
COG5-congenital disorder of glycosylation. Also called: CDG IIi; CONGENITAL DISORDER OF GLYCOSYLATION, TYPE IIi; COG5-CDG. Identifiers: Orphanet 263487, MedGen C3150876, MONDO:0013325, OMIM 613612.

Allele frequency attached by ClinVar (database versions not stated): ExAC 0.00001; TOPMed 0.00002.
gnomAD v4.1: 6 of 1,613,220 alleles (0.00037%); highest among the groups gnomAD compares: Admixed American, 0.0017%; no homozygotes.

Submission:

Labcorp Genetics (formerly Invitae), Labcorp
Classification: Uncertain significance for COG5-congenital disorder of glycosylation. Last evaluated: 2022-05-08. Review status: criteria provided, single submitter. Criteria: Invitae Variant Classification Sherloc (09022015). Collection method: clinical testing. Allele origin: germline.
Comment: This sequence change replaces arginine, which is basic and polar, with tryptophan, which is neutral and slightly polar, at codon 177 of the COG5 protein (p.Arg177Trp). This variant is present in population databases (rs781710880, gnomAD 0.005%). This variant has not been reported in the literature in individuals affected with COG5-related conditions. Algorithms developed to predict the effect of missense changes on protein structure and function are either unavailable or do not agree on the potential impact of this missense change (SIFT: "Deleterious"; PolyPhen-2: "Probably Damaging"; Align-GVGD: "Class C0"). In summary, the available evidence is currently insufficient to determine the role of this variant in disease. Therefore, it has been classified as a Variant of Uncertain Significance.